The following is an entry in ClinVar:

NM_020810.3(TRMT5):c.667+4C>T

Gene: TRMT5 (tRNA methyltransferase 5; minus strand). Cytogenetic location: 14q23.1.
Variant type: single nucleotide variant.
Coding change: c.667+4C>T on transcript NM_020810.3 (MANE Select); 4 bases into the intron after coding-DNA position 667, C replaced by T.
Molecular consequence: intron variant.
Genome position (GRCh38, 1-based): chr14:60,979,227, G>A on the plus strand (C>T on the coding strand, the complement: TRMT5 is on the minus strand). VCF-style: chr14-60979227-G-A. GRCh37 (hg19) VCF-style: chr14-61445945-G-A.
Other names: c.751+4C>T (NM_001350253.1); c.748+4C>T (NM_001350254.1).
Identifiers: ClinVar variation 2180900 (VCV002180900.1), dbSNP rs144025340, ClinGen allele CA7213875.

ClinVar aggregate classification (germline): Uncertain significance (1 of 4 stars; one submission).

gnomAD v4.1: 67 of 1,592,820 alleles (0.0042%); highest among the groups gnomAD compares: Admixed American, 0.007%; no homozygotes.

Submission:

Labcorp Genetics (formerly Invitae), Labcorp
Classification: Uncertain significance. Last evaluated: 2022-08-16. Review status: criteria provided, single submitter. Criteria: Invitae Variant Classification Sherloc (09022015). Collection method: clinical testing. Allele origin: germline.
Comment: This sequence change falls in intron 2 of the TRMT5 gene. It does not directly change the encoded amino acid sequence of the TRMT5 protein. It affects a nucleotide within the consensus splice site. This variant is present in population databases (rs144025340, gnomAD 0.01%). This variant has not been reported in the literature in individuals affected with TRMT5-related conditions. Variants that disrupt the consensus splice site are a relatively common cause of aberrant splicing (PMID: 17576681, 9536098). Algorithms developed to predict the effect of sequence changes on RNA splicing suggest that this variant is not likely to affect RNA splicing. In summary, the available evidence is currently insufficient to determine the role of this variant in disease. Therefore, it has been classified as a Variant of Uncertain Significance.

Literature cited by the submitters: PubMed 17576681; PubMed 9536098.